The following is an entry in ClinVar:

ClinVar aggregate classification (germline): Uncertain significance (1 of 4 stars; one submission).

gnomAD v4.1: 1 of 1,550,528 alleles (0.000064%); highest among the groups gnomAD compares: Non-Finnish European, 0.000087%; no homozygotes.

Submission:

GeneDx
Classification: Uncertain significance. Last evaluated: 2024-09-06. Review status: criteria provided, single submitter. Criteria: GeneDx Variant Classification Process June 2021. Collection method: clinical testing. Allele origin: germline. Affected: yes.
Comment: Not observed at significant frequency in large population cohorts (gnomAD); In silico analysis indicates that this missense variant does not alter protein structure/function; Has not been previously published as pathogenic or benign to our knowledge

NM_001292063.2(OTOG):c.3737C>T (p.Ser1246Phe)

Gene: OTOG (otogelin; plus strand). Cytogenetic location: 11p15.1.
Variant type: single nucleotide variant.
Coding change: c.3737C>T on transcript NM_001292063.2 (MANE Select); coding-DNA position 3737, C replaced by T.
Protein change: p.Ser1246Phe; replaces serine 1246 with phenylalanine.
Molecular consequence: missense variant.
Genome position (GRCh38, 1-based): chr11:17,602,237, C>T. VCF-style: chr11-17602237-C-T. GRCh37 (hg19) VCF-style: chr11-17623784-C-T.
Other names: c.3773C>T, p.Ser1258Phe (NM_001277269.2); short protein forms S1246F, S1258F.
Identifiers: ClinVar variation 3767743 (VCV003767743.1).